The following is an entry in ClinVar:

ClinVar aggregate classification (germline): Uncertain significance (1 of 4 stars; one submission).

Conditions:
Long QT syndrome (LQTS). Identifiers: MedGen C0023976, MeSH D008133, MONDO:0002442. Disease mechanism: loss of function. Inheritance: Various modes of inheritance.

Submission:

Labcorp Genetics (formerly Invitae), Labcorp
Classification: Uncertain significance for Long QT syndrome. Last evaluated: 2022-02-10. Review status: criteria provided, single submitter. Criteria: Invitae Variant Classification Sherloc (09022015). Collection method: clinical testing. Allele origin: germline.
Comment: In summary, the available evidence is currently insufficient to determine the role of this variant in disease. Therefore, it has been classified as a Variant of Uncertain Significance. Algorithms developed to predict the effect of missense changes on protein structure and function are either unavailable or do not agree on the potential impact of this missense change (SIFT: "Deleterious"; PolyPhen-2: "Probably Damaging"; Align-GVGD: "Class C0"). This variant has not been reported in the literature in individuals affected with KCNH2-related conditions. This variant is not present in population databases (gnomAD no frequency). This sequence change replaces proline, which is neutral and non-polar, with glutamine, which is neutral and polar, at codon 10 of the KCNH2 protein (p.Pro10Gln).

NM_000238.4(KCNH2):c.29C>A (p.Pro10Gln)

Gene: KCNH2 (potassium voltage-gated channel subfamily H member 2; minus strand). Cytogenetic location: 7q36.1.
Variant type: single nucleotide variant.
Coding change: c.29C>A on transcript NM_000238.4 (MANE Select); coding-DNA position 29, C replaced by A.
Protein change: p.Pro10Gln; replaces proline 10 with glutamine.
Molecular consequence: missense variant.
Genome position (GRCh38, 1-based): chr7:150,977,885, G>T on the plus strand (C>A on the coding strand, the complement: KCNH2 is on the minus strand). VCF-style: chr7-150977885-G-T. GRCh37 (hg19) VCF-style: chr7-150674973-G-T.
Other names: c.29C>A, p.Pro10Gln (NM_172056.3); short protein forms P10Q.
Identifiers: ClinVar variation 1350037 (VCV001350037.9), dbSNP rs1383782501, ClinGen allele CA369866738.